The following is an entry in ClinVar:

ClinVar aggregate classification (germline): Uncertain significance (1 of 4 stars; one submission).

Conditions:
Epidermolysis bullosa simplex 5C, with pyloric atresia (EBS5C). Also called: PLEC1-Related Epidermolysis Bullosa with Pyloric Atresia; Epidermolysis bullosa simplex with pyloric atresia; PLEC-Related Epidermolysis Bullosa with Pyloric Atresia. Identifiers: Orphanet 158684, MedGen C2677349, MONDO:0012807, OMIM 612138.
Epidermolysis bullosa simplex 5B, with muscular dystrophy (EBS5B). Also called: EPIDERMOLYSIS BULLOSA SIMPLEX AND LIMB-GIRDLE MUSCULAR DYSTROPHY; Epidermolysis bullosa simplex with muscular dystrophy. Identifiers: Orphanet 257, MedGen C2931072, MONDO:0009181, OMIM 226670.
Epidermolysis bullosa simplex with nail dystrophy (EBS5D). Identifiers: MedGen C4225309, MONDO:0014661, OMIM 616487.
Epidermolysis bullosa simplex, Ogna type (EBS5A). Also called: Pidermolysis bullosa simplex 5A, Ogna type; EPIDERMOLYSIS BULLOSA SIMPLEX 5A, OGNA TYPE. Identifiers: Orphanet 79401, MedGen C0432317, MONDO:0007555, OMIM 131950.
Autosomal recessive limb-girdle muscular dystrophy type 2Q (LGMDR17). Also called: MUSCULAR DYSTROPHY, LIMB-GIRDLE, AUTOSOMAL RECESSIVE 17. Identifiers: Orphanet 254361, MedGen C3150989, MONDO:0013390, OMIM 613723.

Allele frequency attached by ClinVar (database versions not stated): TOPMed 0.00002.
gnomAD v4.1: 46 of 1,612,748 alleles (0.0029%); highest among the groups gnomAD compares: East Asian, 0.02%; no homozygotes.

Submission:

Labcorp Genetics (formerly Invitae), Labcorp
Classification: Uncertain significance for Autosomal recessive limb-girdle muscular dystrophy type 2Q; Epidermolysis bullosa simplex, Ogna type; Epidermolysis bullosa simplex with nail dystrophy; Epidermolysis bullosa simplex 5C, with pyloric atresia; Epidermolysis bullosa simplex 5B, with muscular dystrophy. Last evaluated: 2025-06-01. Review status: criteria provided, single submitter. Criteria: Invitae Variant Classification Sherloc (09022015). Collection method: clinical testing. Allele origin: germline.
Comment: This sequence change replaces alanine, which is neutral and non-polar, with threonine, which is neutral and polar, at codon 2726 of the PLEC protein (p.Ala2726Thr). This variant is present in population databases (rs782264628, gnomAD 0.02%). This variant has not been reported in the literature in individuals affected with PLEC-related conditions. ClinVar contains an entry for this variant (Variation ID: 1038297). An algorithm developed to predict the effect of missense changes on protein structure and function (PolyPhen-2) suggests that this variant is likely to be disruptive. In summary, the available evidence is currently insufficient to determine the role of this variant in disease. Therefore, it has been classified as a Variant of Uncertain Significance.

NM_201384.3(PLEC):c.8095G>A (p.Ala2699Thr)

Gene: PLEC (plectin; minus strand). Cytogenetic location: 8q24.3.
Variant type: single nucleotide variant.
Coding change: c.8095G>A on transcript NM_201384.3 (MANE Select); coding-DNA position 8095, G replaced by A.
Protein change: p.Ala2699Thr; replaces alanine 2699 with threonine.
Molecular consequence: missense variant.
Genome position (GRCh38, 1-based): chr8:143,921,726, C>T on the plus strand (G>A on the coding strand, the complement: PLEC is on the minus strand). VCF-style: chr8-143921726-C-T. GRCh37 (hg19) VCF-style: chr8-144995894-C-T.
Other names: c.8176G>A, p.Ala2726Thr (NM_000445.5); c.8053G>A, p.Ala2685Thr (NM_201378.4); c.8029G>A, p.Ala2677Thr (NM_201379.3); c.8506G>A, p.Ala2836Thr (NM_201380.4); c.7999G>A, p.Ala2667Thr (NM_201381.3); c.8095G>A, p.Ala2699Thr (NM_201382.4); c.8107G>A, p.Ala2703Thr (NM_201383.3); short protein forms A2667T, A2703T, A2685T, A2699T, A2726T, A2836T, A2677T.
Identifiers: ClinVar variation 1038297 (VCV001038297.5), dbSNP rs782264628, ClinGen allele CA4925420.